The following is an entry in ClinVar:

NM_000535.7(PMS2):c.1794G>T (p.Gln598His)

Gene: PMS2 (PMS1 homolog 2, mismatch repair system component; minus strand). Cytogenetic location: 7p22.1.
Variant type: single nucleotide variant.
Coding change: c.1794G>T on transcript NM_000535.7 (MANE Select); coding-DNA position 1794, G replaced by T.
Protein change: p.Gln598His; replaces glutamine 598 with histidine.
Molecular consequence: missense variant. On other transcripts: non-coding transcript variant (1), intron variant (1).
Genome position (GRCh38, 1-based): chr7:5,986,971, C>A on the plus strand (G>T on the coding strand, the complement: PMS2 is on the minus strand). VCF-style: chr7-5986971-C-A. GRCh37 (hg19) VCF-style: chr7-6026602-C-A.
Other names: c.1794G>T, p.Gln598His (NM_001406872.1, NM_001322014.2, NM_001406871.1); c.1596G>T, p.Gln532His (NM_001406873.1); c.1626G>T, p.Gln542His (NM_001406874.1); c.1485G>T, p.Gln495His (NM_001406875.1, NM_001406877.1, NM_001406878.1 and 5 more transcripts); c.1476G>T, p.Gln492His (NM_001406876.1, NM_001322007.2, NM_001322008.2 and 2 more transcripts); c.1389G>T, p.Gln463His (NM_001406891.1, NM_001406892.1, NM_001406893.1 and 16 more transcripts); c.1329G>T, p.Gln443His (NM_001406900.1); c.1638G>T, p.Gln546His (NM_001322006.2, NM_001406870.1); and 13 more; short protein forms Q341H, Q443H, Q532H, Q542H, Q546H, Q562H, Q287H, Q411H.
Identifiers: ClinVar variation 3657705 (VCV003657705.2).

ClinVar aggregate classification (germline): Uncertain significance (1 of 4 stars; one submission).

Conditions:
Hereditary nonpolyposis colorectal neoplasms. Identifiers: MedGen C0009405, MeSH D003123.

Submission:

Labcorp Genetics (formerly Invitae), Labcorp
Classification: Uncertain significance for Hereditary nonpolyposis colorectal neoplasms. Last evaluated: 2024-06-25. Review status: criteria provided, single submitter. Criteria: Invitae Variant Classification Sherloc (09022015). Collection method: clinical testing. Allele origin: germline.
Comment: This sequence change replaces glutamine, which is neutral and polar, with histidine, which is basic and polar, at codon 598 of the PMS2 protein (p.Gln598His). This variant is not present in population databases (gnomAD no frequency). This variant has not been reported in the literature in individuals affected with PMS2-related conditions. Advanced modeling of protein sequence and biophysical properties (such as structural, functional, and spatial information, amino acid conservation, physicochemical variation, residue mobility, and thermodynamic stability) performed at Invitae indicates that this missense variant is not expected to disrupt PMS2 protein function with a negative predictive value of 80%. In summary, the available evidence is currently insufficient to determine the role of this variant in disease. Therefore, it has been classified as a Variant of Uncertain Significance.